The following is an entry in ClinVar:

NM_001061.7(TBXAS1):c.765dup (p.Asn256Ter)

Gene: TBXAS1 (thromboxane A synthase 1; plus strand). Cytogenetic location: 7q34.
Variant type: Duplication.
Coding change: c.765dup on transcript NM_001061.7 (MANE Select); coding-DNA position 765, one base duplicated (T; older notation c.765dupT).
Protein change: p.Asn256Ter; replaces asparagine 256 with a stop codon.
Molecular consequence: nonsense.
Genome position (GRCh38, 1-based): chr7:139,957,710, T duplicated; the last of 6 consecutive T bases (chr7:139,957,705-139,957,710); duplicating any one gives the same sequence. VCF-style (leftmost placement, unchanged base first): chr7-139957704-C-CT. GRCh37 (hg19) VCF-style: chr7-139657503-C-CT.
Other names: c.765dup, p.Asn256Ter (NM_001130966.5, NM_030984.6); c.903dup, p.Asn302Ter (NM_001166253.4); c.564dup, p.Asn189Ter (NM_001166254.4); c.708dup, p.Asn237Ter (NM_001314028.4); c.582dup, p.Asn195Ter (NM_001366537.3); short protein forms N189*, N237*, N195*, N256*, N302*.
Identifiers: ClinVar variation 4768487 (VCV004768487.1).
Genomic context (GRCh38, chr7:139,957,704, plus strand): 5'-ATCCATAATGGTCCCACTGGCCCGGATTTTGCCCAATAAGAACCGAGACGAACTGAATGG[C>CT]TTTTTTAACAAACTCATTAGGAATGTGATTGCCTTGCGGGACCAGCAAGCTGCCGAAGAG-3'

ClinVar aggregate classification (germline): Pathogenic (1 of 4 stars; one submission).

Submission:

Labcorp Genetics (formerly Invitae), Labcorp
Classification: Pathogenic. Last evaluated: 2026-01-26. Review status: criteria provided, single submitter. Criteria: Invitae Variant Classification Sherloc (09022015). Collection method: clinical testing. Allele origin: germline.
Comment: This sequence change creates a premature translational stop signal (p.Asn257*) in the TBXAS1 gene. It is expected to result in an absent or disrupted protein product. Loss-of-function variants in TBXAS1 are known to be pathogenic (PMID: 22735388). This variant is not present in population databases (gnomAD no frequency). This variant has not been reported in the literature in individuals affected with TBXAS1-related conditions. Algorithms developed to predict the effect of sequence changes on RNA splicing suggest that this variant may disrupt the consensus splice site. For these reasons, this variant has been classified as Pathogenic.

Literature cited by the submitters: PubMed 22735388.